The following is an entry in ClinVar:

ClinVar aggregate classification (germline): Conflicting classifications of pathogenicity. Review status: criteria provided, conflicting classifications (1 of 4 stars). 5 submissions from 5 submitters: Uncertain significance (1); Benign (2); Likely benign (2). Last evaluated 2026-09-01.

Conditions:
Intellectual developmental disorder, autosomal dominant 1. Also called: MBD5 Haploinsufficiency; Intellectual disability, autosomal dominant 1. Identifiers: Orphanet 228402, MedGen C1969562, MONDO:0007974, OMIM 156200.
Inborn genetic diseases. Identifiers: MedGen C0950123, MeSH D030342.

Allele frequency attached by ClinVar (database versions not stated): gnomAD 0.00001 and 0.00002; TOPMed 0.00006; gnomAD exomes 0.00013; ExAC 0.00012.
gnomAD v4.1: 50 of 1,614,032 alleles (0.0031%); highest among the groups gnomAD compares: Admixed American, 0.065%; no homozygotes.

Submissions (5):

CeGaT Center for Human Genetics Tuebingen
Classification: Likely benign. Last evaluated: 2026-09-01. Review status: criteria provided, single submitter. Criteria: CeGaT Center For Human Genetics Tuebingen Variant Classification Criteria Version 2. Collection method: clinical testing. Allele origin: germline. Affected: yes. Observed: 1 variant allele.
Comment: MBD5: BP4

Labcorp Genetics (formerly Invitae), Labcorp
Classification: Benign for Intellectual developmental disorder, autosomal dominant 1. Last evaluated: 2025-12-13. Review status: criteria provided, single submitter. Criteria: Invitae Variant Classification Sherloc (09022015). Collection method: clinical testing. Allele origin: germline.

GeneDx
Classification: Likely benign. Last evaluated: 2021-05-28. Review status: criteria provided, single submitter. Criteria: GeneDx Variant Classification Process June 2021. Collection method: clinical testing. Allele origin: germline. Affected: yes.

Ambry Genetics
Classification: Benign for Inborn genetic diseases. Last evaluated: 2020-06-08. Review status: criteria provided, single submitter. Criteria: Ambry Variant Classification Scheme 2023. Collection method: clinical testing. Allele origin: germline.

Eurofins Ntd Llc (ga)
Classification: Uncertain significance. Last evaluated: 2017-06-05. Review status: criteria provided, single submitter. Criteria: EGL Classification Definitions 2015. Collection method: clinical testing. Allele origin: germline. Observed: 1 variant allele, 1 heterozygote.

NM_001378120.1(MBD5):c.4731C>T (p.Ser1577=)

Gene: MBD5 (methyl-CpG binding domain protein 5; plus strand). Cytogenetic location: 2q23.1.
Variant type: single nucleotide variant.
Coding change: c.4731C>T on transcript NM_001378120.1 (MANE Select); coding-DNA position 4731, C replaced by T.
Protein change: p.Ser1577=; no amino-acid change (serine 1577 retained).
Molecular consequence: synonymous variant.
Genome position (GRCh38, 1-based): chr2:148,490,363, C>T. VCF-style: chr2-148490363-C-T. GRCh37 (hg19) VCF-style: chr2-149247932-C-T.
Other names: c.4032C>T, p.Ser1344= (NM_018328.5).
Identifiers: ClinVar variation 390517 (VCV000390517.20), dbSNP rs777735514, ClinGen allele CA1900460.